The following is an entry in ClinVar:

ClinVar aggregate classification (germline): Likely benign (1 of 4 stars; one submission).

Conditions:
Epilepsy, progressive myoclonic, 11. Identifiers: MedGen C5394362, MONDO:0030034, OMIM 618876.

gnomAD v4.1: 5 of 1,582,986 alleles (0.00032%); highest among the groups gnomAD compares: Middle Eastern, 0.017%; no homozygotes.

Submission:

Centre for Medical Genetics,  Mumbai
Classification: Likely benign for Epilepsy, progressive myoclonic, 11. Last evaluated: 2026-04-06. Review status: criteria provided, single submitter. Criteria: ACMG Guidelines, 2015. Collection method: provider interpretation. Allele origin: germline. Inheritance: Autosomal dominant inheritance. Affected: no. Observed: 1 variant allele, 1 heterozygote.
Comment: The variant satisfies PM2 criteria; Extremely low frequency in gnomAD population databases. However, the variant satisfies BS2 criteria.

Literature cited by the submitters: PubMed 32169168.

NM_032108.4(SEMA6B):c.253C>T (p.Leu85Phe)

Gene: SEMA6B (semaphorin 6B; minus strand). Cytogenetic location: 19p13.3.
Variant type: single nucleotide variant.
Coding change: c.253C>T on transcript NM_032108.4 (MANE Select); coding-DNA position 253, C replaced by T.
Protein change: p.Leu85Phe; replaces leucine 85 with phenylalanine.
Molecular consequence: missense variant.
Genome position (GRCh38, 1-based): chr19:4,557,216, G>A on the plus strand (C>T on the coding strand, the complement: SEMA6B is on the minus strand). VCF-style: chr19-4557216-G-A. GRCh37 (hg19) VCF-style: chr19-4557228-G-A.
Other names: short protein forms L85F.
Identifiers: ClinVar variation 4851324 (VCV004851324.1).
Genomic context (GRCh38, chr19:4,557,216, plus strand): 5'-TCCTCACCCTCTGGTACCGCAGCTCCGTGGACGTGGGGGGCTCCAGCTCTACGCGGTAGA[G>A]GTTGTCCCTGGGGGAGGGGCATAGTTAGTGAGAACTGGGGGCTCCGCCACCCTCTCCCGT-3'
Protein context (NP_115484.2, residues 75-95): RTLFIGDRDN[Leu85Phe]YRVELEPPTS